The following is an entry in ClinVar:

ClinVar aggregate classification (germline): Uncertain significance (1 of 4 stars; one submission).

Allele frequency attached by ClinVar (database versions not stated): gnomAD 0.00001; ExAC 0.00002.
gnomAD v4.1: 21 of 1,611,014 alleles (0.0013%); highest among the groups gnomAD compares: East Asian, 0.0022%; no homozygotes.

Submission:

Labcorp Genetics (formerly Invitae), Labcorp
Classification: Uncertain significance. Last evaluated: 2024-09-06. Review status: criteria provided, single submitter. Criteria: Invitae Variant Classification Sherloc (09022015). Collection method: clinical testing. Allele origin: germline.
Comment: This sequence change replaces phenylalanine, which is neutral and non-polar, with leucine, which is neutral and non-polar, at codon 471 of the CYP26B1 protein (p.Phe471Leu). This variant is present in population databases (rs764995614, gnomAD 0.005%). This variant has not been reported in the literature in individuals affected with CYP26B1-related conditions. An algorithm developed to predict the effect of missense changes on protein structure and function (PolyPhen-2) suggests that this variant is likely to be disruptive. In summary, the available evidence is currently insufficient to determine the role of this variant in disease. Therefore, it has been classified as a Variant of Uncertain Significance.

NM_019885.4(CYP26B1):c.1413C>G (p.Phe471Leu)

Gene: CYP26B1 (cytochrome P450 family 26 subfamily B member 1; minus strand). Cytogenetic location: 2p13.2.
Variant type: single nucleotide variant.
Coding change: c.1413C>G on transcript NM_019885.4 (MANE Select); coding-DNA position 1413, C replaced by G.
Protein change: p.Phe471Leu; replaces phenylalanine 471 with leucine.
Molecular consequence: missense variant.
Genome position (GRCh38, 1-based): chr2:72,132,353, G>C on the plus strand (C>G on the coding strand, the complement: CYP26B1 is on the minus strand). VCF-style: chr2-72132353-G-C. GRCh37 (hg19) VCF-style: chr2-72359482-G-C.
Other names: c.1188C>G, p.Phe396Leu (NM_001277742.2); short protein forms F471L, F396L.
Identifiers: ClinVar variation 3021247 (VCV003021247.3), dbSNP rs764995614, ClinGen allele CA1707761.